The following is an entry in ClinVar:

ClinVar aggregate classification (germline): Uncertain significance (1 of 4 stars; one submission).

Allele frequency attached by ClinVar (database versions not stated): gnomAD exomes below 0.00001; TOPMed below 0.00001.

Submission:

Labcorp Genetics (formerly Invitae), Labcorp
Classification: Uncertain significance. Last evaluated: 2023-09-08. Review status: criteria provided, single submitter. Criteria: Invitae Variant Classification Sherloc (09022015). Collection method: clinical testing. Allele origin: germline.
Comment: In summary, the available evidence is currently insufficient to determine the role of this variant in disease. Therefore, it has been classified as a Variant of Uncertain Significance. An algorithm developed to predict the effect of missense changes on protein structure and function (PolyPhen-2) suggests that this variant is likely to be tolerated. This variant has not been reported in the literature in individuals affected with MOCS3-related conditions. This variant is not present in population databases (gnomAD no frequency). This sequence change replaces aspartic acid, which is acidic and polar, with glycine, which is neutral and non-polar, at codon 296 of the MOCS3 protein (p.Asp296Gly).

NM_014484.5(MOCS3):c.887A>G (p.Asp296Gly)

Gene: MOCS3 (molybdenum cofactor synthesis 3; plus strand). Cytogenetic location: 20q13.13.
Variant type: single nucleotide variant.
Coding change: c.887A>G on transcript NM_014484.5 (MANE Select); coding-DNA position 887, A replaced by G.
Protein change: p.Asp296Gly; replaces aspartic acid 296 with glycine.
Molecular consequence: missense variant.
Genome position (GRCh38, 1-based): chr20:50,959,729, A>G. VCF-style: chr20-50959729-A-G. GRCh37 (hg19) VCF-style: chr20-49576266-A-G.
Other names: short protein forms D296G.
Identifiers: ClinVar variation 2804374 (VCV002804374.3), dbSNP rs1987046516, ClinGen allele CA408984925.